The following is an entry in ClinVar:

NM_001244008.2(KIF1A):c.201C>T (p.Tyr67=)

Gene: KIF1A (kinesin family member 1A; minus strand). Cytogenetic location: 2q37.3.
Variant type: single nucleotide variant.
Coding change: c.201C>T on transcript NM_001244008.2 (MANE Select); coding-DNA position 201, C replaced by T.
Protein change: p.Tyr67=; no amino-acid change (tyrosine 67 retained).
Molecular consequence: synonymous variant.
Genome position (GRCh38, 1-based): chr2:240,788,213, G>A on the plus strand (C>T on the coding strand, the complement: KIF1A is on the minus strand). VCF-style: chr2-240788213-G-A. GRCh37 (hg19) VCF-style: chr2-241727630-G-A.
Other names: c.201C>T, p.Tyr67= (NM_001379649.1, NM_001379650.1, NM_001379651.1 and 20 more transcripts); c.201C>T (NM_001244008.1).
Identifiers: ClinVar variation 1593992 (VCV001593992.10), dbSNP rs767617976, ClinGen allele CA2208854.
Genomic context (GRCh38, chr2:240,788,213, plus strand): 5'-CTCAAAGGCATGCTGCAGCATCTCCTCGCCGATGTCCCGGTACACCTGCTTCTGCGACGC[G>A]TAGTTGATGTCCTCAGGCTGGAGGACGAGGAAGGAATGAAGTTGCAGGAGGCTGGGTGCA-3'
Protein context (NP_001230937.1, residues 57-77): WSHTSPEDIN[Tyr67=]ASQKQVYRDI

ClinVar aggregate classification (germline): Likely benign. Review status: criteria provided, single submitter (1 of 4 stars). 2 submissions from 2 submitters: Likely benign (1). 1 of the submissions does not count toward it. Last evaluated 2024-10-23.

Conditions:
KIF1A-related disorder. Also called: KIF1A-related disorders; KIF1A-related condition.
Hereditary spastic paraplegia 30. Identifiers: Orphanet 101010, MedGen C5235139, MONDO:0012476.
Neuropathy, hereditary sensory, type 2C. Also called: Hereditary sensory and autonomic neuropathy type IIC; KIF1A-Related HSAN2 (HSAN2C). Identifiers: Orphanet 970, MedGen C3280168, MONDO:0013634, OMIM 614213.
Intellectual disability, autosomal dominant 9 (NESCAVS). Also called: NESCAV SYNDROME; KIF1A-Related Neurodevelopmental Disorder. Identifiers: Orphanet 662367, MedGen C5393830, MONDO:0013656, OMIM 614255.

Allele frequency attached by ClinVar (database versions not stated): ExAC 0.00002; gnomAD exomes 0.00002.
gnomAD v4.1: 35 of 1,613,760 alleles (0.0022%); highest among the groups gnomAD compares: Non-Finnish European, 0.0025%; no homozygotes.

Submissions (2):

Labcorp Genetics (formerly Invitae), Labcorp
Classification: Likely benign for Hereditary spastic paraplegia 30; Neuropathy, hereditary sensory, type 2C; Intellectual disability, autosomal dominant 9. Last evaluated: 2024-10-23. Review status: criteria provided, single submitter. Criteria: Invitae Variant Classification Sherloc (09022015). Collection method: clinical testing. Allele origin: germline.

PreventionGenetics, part of Exact Sciences
Classification: Likely benign for KIF1A-related condition. Last evaluated: 2023-05-19. Review status: no assertion criteria provided. Collection method: clinical testing. Allele origin: germline. Not counted in ClinVar's aggregate classification.
Comment: This variant is classified as likely benign based on ACMG/AMP sequence variant interpretation guidelines (Richards et al. 2015 PMID: 25741868, with internal and published modifications).